The following is an entry in ClinVar:

ClinVar aggregate classification (germline): Likely benign. Review status: criteria provided, multiple submitters, no conflicts (2 of 4 stars). 5 submissions from 5 submitters: Likely benign (5). Last evaluated 2025-06-24.

Conditions:
RYR1-related disorder. Also called: RYR1-related condition; RYR1-related disorders. Identifiers: MedGen CN239331.
Malignant hyperthermia, susceptibility to, 1 (MHS1). Also called: RYR1-Related Malignant Hyperthermia Susceptibility; Anesthesia related hyperthermia; Malignant hyperpyrexia; Fulminating hyperpyrexia; Pharmacogenic myopathy; Malignant hyperthermia suceptibility 1. Identifiers: Orphanet 423, MedGen C2930980, MONDO:0007783, OMIM 145600.

Allele frequency attached by ClinVar (database versions not stated): gnomAD exomes 0.00001 and 0.00002; ExAC 0.00002; gnomAD 0.00002 and 0.00004; TOPMed 0.00006; ESP Exome Variant Server 0.00023.
gnomAD v4.1: 20 of 1,603,342 alleles (0.0012%); highest among the groups gnomAD compares: African/African-American, 0.0094%; no homozygotes.

Submissions (5):

Labcorp Genetics (formerly Invitae), Labcorp
Classification: Likely benign for RYR1-related disorder. Last evaluated: 2025-06-24. Review status: criteria provided, single submitter. Criteria: Invitae Variant Classification Sherloc (09022015). Collection method: clinical testing. Allele origin: germline.

All of Us Research Program, National Institutes of Health
Classification: Likely benign for Malignant hyperthermia, susceptibility to, 1. Last evaluated: 2023-11-20. Review status: criteria provided, single submitter. Criteria: ACMG Guidelines, 2015. Collection method: clinical testing. Allele origin: germline. Inheritance: Autosomal dominant inheritance. Observed: 3 variant alleles, 3 heterozygotes.
Comment: This study involves interpretation of variants in research participants for the purpose of population health screening. Participant phenotype was not available at the time of variant classification. Additional details can be found in publication PMID: 35346344, PMCID: PMC8962531

Color Diagnostics, LLC DBA Color Health
Classification: Likely benign for Malignant hyperthermia, susceptibility to, 1. Last evaluated: 2022-11-06. Review status: criteria provided, single submitter. Criteria: ACMG Guidelines, 2015. Collection method: clinical testing. Allele origin: germline.

GeneDx
Classification: Likely benign. Last evaluated: 2020-02-21. Review status: criteria provided, single submitter. Criteria: GeneDx Variant Classification Process June 2021. Collection method: clinical testing. Allele origin: germline. Affected: yes.

PreventionGenetics, part of Exact Sciences
Classification: Likely benign. Review status: criteria provided, single submitter. Criteria: ACMG Guidelines, 2015. Collection method: clinical testing. Allele origin: germline.

NM_000540.3(RYR1):c.7173G>A (p.Ala2391=)

Gene: RYR1 (ryanodine receptor 1; plus strand). Cytogenetic location: 19q13.2.
Variant type: single nucleotide variant.
Coding change: c.7173G>A on transcript NM_000540.3 (MANE Select); coding-DNA position 7173, G replaced by A.
Protein change: p.Ala2391=; no amino-acid change (alanine 2391 retained).
Molecular consequence: synonymous variant.
Genome position (GRCh38, 1-based): chr19:38,499,780, G>A. VCF-style: chr19-38499780-G-A. GRCh37 (hg19) VCF-style: chr19-38990420-G-A.
Other names: c.7173G>A, p.Ala2391= (NM_001042723.2).
Identifiers: ClinVar variation 256548 (VCV000256548.16), dbSNP rs151115554, ClinGen allele CA069210.